The following is an entry in ClinVar:

ClinVar aggregate classification (germline): Uncertain significance (1 of 4 stars; one submission).

Submission:

GeneDx
Classification: Uncertain significance. Last evaluated: 2019-09-10. Review status: criteria provided, single submitter. Criteria: GeneDx Variant Classification Process June 2021. Collection method: clinical testing. Allele origin: germline. Affected: yes.
Comment: Not observed in large population cohorts (Lek et al., 2016); Canonical splice site variant in a gene for which loss-of-function is not a known mechanism of disease; Has not been previously published as pathogenic or benign to our knowledge; Variants in candidate genes are classified as variants of uncertain significance in accordance with ACMG guidelines (Richards et al., 2015)

NM_001257293.2(HNRNPH1):c.1299_1300+36del

Genes: HNRNPH1 (heterogeneous nuclear ribonucleoprotein H1; minus strand), LOC128966623 (uncharacterized protein C5orf60; plus strand). Cytogenetic location: 5q35.3.
Variant type: Deletion.
Coding change: c.1299_1300+36del on transcript NM_001257293.2 (MANE Select); coding-DNA position 1299 through 36 bases into the intron after coding-DNA position 1300, 38 bases deleted.
Molecular consequence: splice donor variant.
Genome position (GRCh38, 1-based): chr5:179,616,090-179,616,127, 38 bases deleted; deleting any 38 consecutive bases within chr5:179,616,090-179,616,129 gives the same sequence; the c. name uses the placement nearest the transcript's 3' end. GRCh37 (hg19): chr5:179,043,093-179,043,130.
Other names: c.1299_1300+36del (NM_001364233.2, NM_001364225.2, NM_001364235.2 and 10 more transcripts); c.696_697+36del (NM_001364253.2, NM_001364251.2, NM_001364254.2 and 2 more transcripts); c.1278_1279+36del (NM_001364241.2, NM_001364242.2, NM_001364243.2); c.1218_1219+36del (NM_001364240.2, NM_001364248.2); c.1239_1240+36del (NM_001364247.2, NM_001364230.2, NM_001363572.2 and 3 more transcripts); c.1308_1309+36del (NM_001364231.2); c.1143_1144+36del (NM_001364250.2); c.1269_1270+36del (NM_001364244.2).
Identifiers: ClinVar variation 1312366 (VCV001312366.2), dbSNP rs2127606204, ClinGen allele CA2573052489.